The following is an entry in ClinVar:

NM_001458.5(FLNC):c.4480C>T (p.Arg1494Trp)

Gene: FLNC (filamin C; plus strand). Cytogenetic location: 7q32.1.
Variant type: single nucleotide variant.
Coding change: c.4480C>T on transcript NM_001458.5 (MANE Select); coding-DNA position 4480, C replaced by T.
Protein change: p.Arg1494Trp; replaces arginine 1494 with tryptophan.
Molecular consequence: missense variant.
Genome position (GRCh38, 1-based): chr7:128,847,968, C>T. VCF-style: chr7-128847968-C-T. GRCh37 (hg19) VCF-style: chr7-128488022-C-T.
Other names: c.4480C>T, p.Arg1494Trp (NM_001127487.2); short protein forms R1494W.
Identifiers: ClinVar variation 472067 (VCV000472067.19), dbSNP rs779079128, ClinGen allele CA4475355.

ClinVar aggregate classification (germline): Conflicting classifications of pathogenicity. Review status: criteria provided, conflicting classifications (1 of 4 stars). 7 submissions from 6 submitters: Uncertain significance (5); VUS-low (1); Likely benign (1). Last evaluated 2026-07-27.

Conditions:
Cardiovascular phenotype. Identifiers: MedGen CN230736.
Hypertrophic cardiomyopathy 26. Also called: Cardiomyopathy, familial hypertrophic, 26. Identifiers: Orphanet 75249, MedGen C4310749, MONDO:0014883, OMIM 617047.
Distal myopathy with posterior leg and anterior hand involvement. Also called: WILLIAMS DISTAL MYOPATHY. Identifiers: Orphanet 63273, MedGen C3279722, MONDO:0013550, OMIM 614065.
Myofibrillar myopathy 5. Also called: Filaminopathy (type); FILAMINOPATHY, AUTOSOMAL DOMINANT. Identifiers: Orphanet 171445, MedGen C1836050, MONDO:0012289, OMIM 609524.

Allele frequency attached by ClinVar (database versions not stated): gnomAD exomes 0.00004 and 0.00005; ExAC 0.00002; TOPMed 0.00009; gnomAD 0.00013.

Submissions (7):

GeneDx
Classification: Uncertain significance. Last evaluated: 2026-07-27. Review status: criteria provided, single submitter. Criteria: GeneDx Variant Classification Process June 2021. Collection method: clinical testing. Allele origin: germline.
Comment: In silico analysis supports that this missense variant has a deleterious effect on protein structure/function; This variant is associated with the following publications: (PMID: 37477868, 36575883, 38379651)

Labcorp Genetics (formerly Invitae), Labcorp
Classification: Likely benign for Distal myopathy with posterior leg and anterior hand involvement; Myofibrillar myopathy 5; Hypertrophic cardiomyopathy 26. Last evaluated: 2025-12-16. Review status: criteria provided, single submitter. Criteria: Invitae Variant Classification Sherloc (09022015). Collection method: clinical testing. Allele origin: germline.

Center for Molecular Medicine, Children’s Hospital of Fudan University
Classification: VUS-low for Hypertrophic cardiomyopathy 26. Last evaluated: 2025-12-12. Review status: criteria provided, single submitter. Criteria: ACMG Guidelines 2015. Collection method: clinical testing. Allele origin: maternal. Affected: yes.
Comment: PM2_PP

Ambry Genetics
Classification: Uncertain significance for Cardiovascular phenotype. Last evaluated: 2024-07-08. Review status: criteria provided, single submitter. Criteria: Ambry Variant Classification Scheme 2023. Collection method: clinical testing. Allele origin: germline.
Comment: The p.R1494W variant (also known as c.4480C>T), located in coding exon 26 of the FLNC gene, results from a C to T substitution at nucleotide position 4480. The arginine at codon 1494 is replaced by tryptophan, an amino acid with dissimilar properties. This variant has been detected in an individual with unspecified cardiomyopathy, and individual with hyperCKemia, and an individual with features of arrhythmogenic right ventricular cardiomyopathy (Kodali M et al. JACC Case Rep, 2024 Feb;29:102198; &Ccedil;avdarl B et al. Ann Hum Genet, 2023 May;87:104-114; Akinrinade O et al. J Cardiovasc Transl Res, 2023 Dec;16:1287-1302). This amino acid position is not well conserved in available vertebrate species. In addition, this alteration is predicted to be tolerated by in silico analysis. Based on the available evidence, the clinical significance of this variant remains unclear.

Revvity Omics, Revvity
Classification: Uncertain significance. Last evaluated: 2022-06-07. Review status: criteria provided, single submitter. Criteria: ACMG Guidelines, 2015. Collection method: clinical testing. Allele origin: germline.

Genomic Research Center, Shahid Beheshti University of Medical Sciences
Classification: Uncertain significance for Myofibrillar myopathy, filamin C-related. Last evaluated: 2018-08-07. Review status: criteria provided, single submitter. Criteria: ACMG Guidelines, 2015. Collection method: clinical testing. Allele origin: unknown. Affected: yes. Observed: 1 variant allele.

Genomic Research Center, Shahid Beheshti University of Medical Sciences
Classification: Uncertain significance for Myopathy, distal, 4. Last evaluated: 2018-08-07. Review status: criteria provided, single submitter. Criteria: ACMG Guidelines, 2015. Collection method: clinical testing. Allele origin: unknown. Affected: yes. Observed: 1 variant allele.

Literature cited by the submitters: PubMed 36575883 (cited by Ambry Genetics); PubMed 37477868 (cited by Ambry Genetics); PubMed 38379651 (cited by Ambry Genetics).